The following is an entry in ClinVar:

ClinVar aggregate classification (germline): Benign/Likely benign. Review status: criteria provided, multiple submitters, no conflicts (2 of 4 stars). 3 submissions from 3 submitters: Benign (1); Likely benign (1). 1 of the submissions does not count toward it. Last evaluated 2026-01-04.

Conditions:
STS-related disorder. Also called: STS-related condition.

Allele frequency attached by ClinVar (database versions not stated): 1000 Genomes Project 30x 0.00250; 1000 Genomes Project 0.00265; gnomAD 0.00277; TOPMed 0.00311; ESP Exome Variant Server 0.00379.
gnomAD v4.1: 705 of 1,205,555 alleles (0.058%); highest among the groups gnomAD compares: African/African-American, 1.1%; 2 homozygotes.

Submissions (3):

Labcorp Genetics (formerly Invitae), Labcorp
Classification: Benign. Last evaluated: 2026-01-04. Review status: criteria provided, single submitter. Criteria: Invitae Variant Classification Sherloc (09022015). Collection method: clinical testing. Allele origin: germline.

Center for Pediatric Genomic Medicine, Children's Mercy Hospital and Clinics
Classification: Likely benign. Last evaluated: 2017-04-19. Review status: criteria provided, single submitter. Criteria: ACMG Guidelines, 2015. Collection method: clinical testing. Allele origin: germline.

PreventionGenetics, part of Exact Sciences
Classification: Benign for STS-related condition. Last evaluated: 2019-10-31. Review status: no assertion criteria provided. Collection method: clinical testing. Allele origin: germline. Not counted in ClinVar's aggregate classification.
Comment: This variant is classified as benign based on ACMG/AMP sequence variant interpretation guidelines (Richards et al. 2015 PMID: 25741868, with internal and published modifications).

NM_001320752.2(STS):c.1731C>G (p.Ser577Arg)

Gene: STS (steroid sulfatase; plus strand). Cytogenetic location: Xp22.31.
Variant type: single nucleotide variant.
Coding change: c.1731C>G on transcript NM_001320752.2 (MANE Select); coding-DNA position 1731, C replaced by G.
Protein change: p.Ser577Arg; replaces serine 577 with arginine.
Molecular consequence: missense variant.
Genome position (GRCh38, 1-based): chrX:7,350,255, C>G. VCF-style: chrX-7350255-C-G. GRCh37 (hg19) VCF-style: chrX-7268296-C-G.
Other names: c.1731C>G, p.Ser577Arg (NM_000351.7, NM_001320753.2, NM_001320754.2); c.1767C>G, p.Ser589Arg (NM_001320750.3, NM_001320751.2); c.1746C>G (NM_000351.5); short protein forms S589R, S577R.
Identifiers: ClinVar variation 445889 (VCV000445889.11), dbSNP rs151332463, ClinGen allele CA10342231.
Genomic context (GRCh38, chrX:7,350,255, plus strand): 5'-CTGTCCTTCCACCGGCCTGTCTTGCCAGTGTGATAGAGAAAAACAGGATAAGAGACTGAG[C>G]CGCTAGCAGCGCCTGGGGACCAGACAGACGCATGTGGCAAAGCTCACCATCTTCACTACA-3'
Protein context (NP_001307681.2, residues 567-578): CDREKQDKRL[Ser577Arg]R